The following is an entry in ClinVar:

NM_001384125.1(BLTP1):c.4719G>A (p.Met1573Ile)

Gene: BLTP1 (bridge-like lipid transfer protein family member 1; plus strand). Cytogenetic location: 4q27.
Variant type: single nucleotide variant.
Coding change: c.4719G>A on transcript NM_001384125.1 (MANE Select); coding-DNA position 4719, G replaced by A.
Protein change: p.Met1573Ile; replaces methionine 1573 with isoleucine.
Molecular consequence: missense variant.
Genome position (GRCh38, 1-based): chr4:122,243,045, G>A. VCF-style: chr4-122243045-G-A. GRCh37 (hg19) VCF-style: chr4-123164200-G-A.
Other names: c.4719G>A, p.Met1573Ile (NM_015312.4); short protein forms M1573I.
Identifiers: ClinVar variation 2506024 (VCV002506024.1), dbSNP rs368227278, ClinGen allele CA3066391.

ClinVar aggregate classification (germline): Uncertain significance (1 of 4 stars; one submission).

gnomAD v4.1: 47 of 1,612,450 alleles (0.0029%); highest among the groups gnomAD compares: Non-Finnish European, 0.004%; no homozygotes.

Submission:

Women's Health and Genetics/Laboratory Corporation of America, LabCorp
Classification: Uncertain significance. Last evaluated: 2023-05-09. Review status: criteria provided, single submitter. Criteria: LabCorp Variant Classification Summary - May 2015. Collection method: clinical testing. Allele origin: germline.
Comment: Variant summary: KIAA1109 (aka. BLTP1) c.4719G>A (p.Met1573Ile) results in a conservative amino acid change in the encoded protein sequence. Three of four in-silico tools predict a benign effect of the variant on protein function. The variant allele was found at a frequency of 1.6e-05 in 249240 control chromosomes (gnomAD). The available data on variant occurrences in the general population are insufficient to allow any conclusion about variant significance. c.4719G>A has been reported in the literature in a compound heterozygous individual who carried another missense variant in trans, and had symptoms suggestive of Alkuraya-Kucinskas Syndrome (Gueneau_2017). Authors of this study noted that all their cases compatible with life (i.e. three surviving patients from two families) carried biallelic missense variants, consistent with the causative role for hypomorphic variants in this syndrome, and a later study (describing four additional surviving patients from two related families who carried a homozygous missense variant) was in agreement with this rationale (Kumar_2020). However, these data do not allow clear conclusions about variant significance. To our knowledge, no experimental evidence demonstrating an impact on protein function has been reported. The following publications have been ascertained in the context of this evaluation (PMID: 29290337, 32590954). No clinical diagnostic laboratories have submitted clinical-significance assessments for this variant to ClinVar after 2014. Based on the evidence outlined above, the variant was classified as VUS-possibly pathogenic.

Literature cited by the submitters: PubMed 29290337; PubMed 32590954.